The following is an entry in ClinVar:

NM_001372044.2(SHANK3):c.4773TGG[1] (p.Gly1593del)

Gene: SHANK3 (SH3 and multiple ankyrin repeat domains 3; plus strand). Cytogenetic location: 22q13.33.
Variant type: Microsatellite.
Coding change: c.4773TGG[1] on transcript NM_001372044.2 (MANE Select); one copy of the 3-base unit TGG starting at c.4773; the reference has two copies in a row; one copy, 3 bases deleted.
Protein change: p.Gly1593del; deletes glycine 1593.
Molecular consequence: inframe deletion.
Genome position (GRCh38, 1-based): chr22:50,722,384-50,722,386, TGG deleted; deleting any 3 consecutive bases within chr22:50,722,381-50,722,386 gives the same sequence; the position shown is the placement nearest the transcript's 3' end. VCF-style (leftmost placement, unchanged base first): chr22-50722380-TTGG-T. GRCh37 (hg19) VCF-style: chr22-51160808-TTGG-T.
Other names: c.4551_4553delTGG (NM_033517.1); short protein forms G1593del.
Identifiers: ClinVar variation 1213223 (VCV001213223.3), dbSNP rs766299545, ClinGen allele CA325580494.

ClinVar aggregate classification (germline): Likely benign (1 of 4 stars; one submission).

Submission:

GeneDx
Classification: Likely benign. Last evaluated: 2021-03-10. Review status: criteria provided, single submitter. Criteria: GeneDx Variant Classification Process June 2021. Collection method: clinical testing. Allele origin: germline. Affected: yes.
Comment: In-frame deletion of 1 amino acids in a non-repeat region; In silico analysis supports a deleterious effect on protein structure/function; Has not been previously published as pathogenic or benign to our knowledge